The following is an entry in ClinVar:

NM_152672.6(SLC51A):c.839G>A (p.Gly280Glu)

Gene: SLC51A (solute carrier family 51 member A; plus strand). Cytogenetic location: 3q29.
Variant type: single nucleotide variant.
Coding change: c.839G>A on transcript NM_152672.6 (MANE Select); coding-DNA position 839, G replaced by A.
Protein change: p.Gly280Glu; replaces glycine 280 with glutamic acid.
Molecular consequence: missense variant.
Genome position (GRCh38, 1-based): chr3:196,232,477, G>A. VCF-style: chr3-196232477-G-A. GRCh37 (hg19) VCF-style: chr3-195959348-G-A.
Other names: short protein forms G280E.
Identifiers: ClinVar variation 3054718 (VCV003054718.2), dbSNP rs963667914, ClinGen allele CA90843942.
Genomic context (GRCh38, chr3:196,232,477, plus strand): 5'-AGGTTCTCCTCATCCTGACTGCCCTACAGCCCTCCATCTTCTCAGTCTTGGCCAACGGTG[G>A]GCAGATTGCTTGTTCGCCTCCCTATTCCTCTAAAACCAGGTCTCAAGGTGAGCACGTTAA-3'
Protein context (NP_689885.4, residues 270-290): PSIFSVLANG[Gly280Glu]QIACSPPYSS

ClinVar aggregate classification (germline): Uncertain significance (0 of 4 stars; one submission).

Conditions:
SLC51A-related disorder. Also called: SLC51A-related condition.

Allele frequency attached by ClinVar (database versions not stated): gnomAD exomes below 0.00001; gnomAD 0.00001; TOPMed 0.00001.
gnomAD v4.1: 3 of 1,614,098 alleles (0.00019%); highest among the groups gnomAD compares: East Asian, 0.0022%; no homozygotes.

Submission:

PreventionGenetics, part of Exact Sciences
Classification: Uncertain significance for SLC51A-related condition. Last evaluated: 2023-10-18. Review status: no assertion criteria provided. Collection method: clinical testing. Allele origin: germline.
Comment: The SLC51A c.839G>A variant is predicted to result in the amino acid substitution p.Gly280Glu. To our knowledge, this variant has not been reported in the literature or in a large population database, indicating this variant is rare. At this time, the clinical significance of this variant is uncertain due to the absence of conclusive functional and genetic evidence.